The following is an entry in ClinVar:

ClinVar aggregate classification (germline): Uncertain significance (1 of 4 stars; one submission).

Submission:

Dasa
Classification: Uncertain significance. Last evaluated: 2025-04-16. Review status: criteria provided, single submitter. Criteria: DASA Assertion Criteria. Collection method: clinical testing. Allele origin: germline.
Comment: NM_001365999.1(SZT2):c.1585G>A (p.Gly529Arg) is a missense variant that results in the substitution of glycine with arginine. This variant is rare in population databases. The currently available literature and clinical evidence are not sufficient to establish a definitive association between this variant and the reported condition. Therefore, this variant is classified as a variant of uncertain significance.

NM_001365999.1(SZT2):c.1585G>A (p.Gly529Arg)

Gene: SZT2 (SZT2 subunit of KICSTOR complex; plus strand). Cytogenetic location: 1p34.2.
Variant type: single nucleotide variant.
Coding change: c.1585G>A on transcript NM_001365999.1 (MANE Select); coding-DNA position 1585, G replaced by A.
Protein change: p.Gly529Arg; replaces glycine 529 with arginine.
Molecular consequence: missense variant.
Genome position (GRCh38, 1-based): chr1:43,421,262, G>A. VCF-style: chr1-43421262-G-A. GRCh37 (hg19) VCF-style: chr1-43886933-G-A.
Other names: c.1585G>A, p.Gly529Arg (NM_015284.4); short protein forms G529R.
Identifiers: ClinVar variation 4885199 (VCV004885199.2).